The following is an entry in ClinVar:

ClinVar aggregate classification (germline): Conflicting classifications of pathogenicity. Review status: criteria provided, conflicting classifications (1 of 4 stars). 2 submissions from 2 submitters: Pathogenic (1); Uncertain significance (1). Last evaluated 2025-11-03.

Conditions:
Charcot-Marie-Tooth disease axonal type 2F (CMT2F). Also called: CHARCOT-MARIE-TOOTH DISEASE, NEURONAL, TYPE 2F; Charcot-Marie-Tooth Neuropathy Type 2F. Identifiers: Orphanet 99940, MedGen C1847823, MONDO:0011687, OMIM 606595.

Allele frequency attached by ClinVar (database versions not stated): gnomAD exomes 0.00001 and 0.00002; TOPMed 0.00002; ExAC 0.00003; gnomAD 0.00001.

Submissions (2):

Labcorp Genetics (formerly Invitae), Labcorp
Classification: Pathogenic for Charcot-Marie-Tooth disease axonal type 2F. Last evaluated: 2025-11-03. Review status: criteria provided, single submitter. Criteria: Invitae Variant Classification Sherloc (09022015). Collection method: clinical testing. Allele origin: germline.
Comment: This sequence change creates a premature translational stop signal (p.Leu58Alafs*105) in the HSPB1 gene. While this is not anticipated to result in nonsense mediated decay, it is expected to disrupt the last 148 amino acid(s) of the HSPB1 protein. This variant is present in population databases (rs748762287, gnomAD 0.002%). This premature translational stop signal has been observed in individual(s) with autosomal dominant Charcot-Marie-Tooth disease (PMID: 25614874, 28144995). ClinVar contains an entry for this variant (Variation ID: 452063). This variant is located in a region of the HSPB1 protein where a significant number of HSPB1 nonsense and frameshift mutations have been reported in association with autosomal dominant HSPB1-related neuropathies (PMID: 22734906, 28144995, 33686258). For these reasons, this variant has been classified as Pathogenic.

GeneDx
Classification: Uncertain significance. Last evaluated: 2025-04-15. Review status: criteria provided, single submitter. Criteria: GeneDx Variant Classification Process June 2021. Collection method: clinical testing. Allele origin: germline. Affected: yes.
Comment: Not observed at significant frequency in large population cohorts (gnomAD); This variant is associated with the following publications: (PMID: 32301006, 32323160, 25614874, 22734906, 33686258, 28144995)

Literature cited by the submitters: PubMed 25614874 (cited by Labcorp Genetics (formerly Invitae), Labcorp); PubMed 28144995 (cited by Labcorp Genetics (formerly Invitae), Labcorp); PubMed 22734906 (cited by Labcorp Genetics (formerly Invitae), Labcorp); PubMed 33686258 (cited by Labcorp Genetics (formerly Invitae), Labcorp).

NM_001540.5(HSPB1):c.165_171dup (p.Leu58fs)

Gene: HSPB1 (heat shock protein family B (small) member 1; plus strand). Cytogenetic location: 7q11.23.
Variant type: Duplication.
Coding change: c.165_171dup on transcript NM_001540.5 (MANE Select); coding-DNA positions 165 to 171, 7 bases duplicated (GCGCCCC; older notation c.165_171dupGCGCCCC).
Protein change: p.Leu58fs; shifts the reading frame from leucine 58.
Molecular consequence: frameshift variant.
Genome position (GRCh38, 1-based): chr7:76,302,877-76,302,883, GCGCCCC duplicated. VCF-style (leftmost placement, unchanged base first): chr7-76302876-T-TGCGCCCC. GRCh37 (hg19) VCF-style: chr7-75932193-T-TGCGCCCC.
Other names: c.165_171dupGCGCCCC (NM_001540.3); c.165_171dup (LRG_248t1); short protein forms L58fs.
Identifiers: ClinVar variation 452063 (VCV000452063.14), dbSNP rs748762287, ClinGen allele CA4306277.
Genomic context (GRCh38, chr7:76,302,876, plus strand): 5'-TGCCCCGGCTGCCGGAGGAGTGGTCGCAGTGGTTAGGCGGCAGCAGCTGGCCAGGCTACG[T>TGCGCCCC]GCGCCCCCTGCCCCCCGCCGCCATCGAGAGCCCCGCAGTGGCCGCGCCCGCCTACAGCCG-3'